The following is an entry in ClinVar:

ClinVar aggregate classification (germline): Uncertain significance. Review status: criteria provided, multiple submitters, no conflicts (2 of 4 stars). 4 submissions from 4 submitters: Uncertain significance (4). Last evaluated 2025-06-10.

Conditions:
Familial thoracic aortic aneurysm and aortic dissection (TAAD). Also called: Thoracic aortic aneurysms and dissections. Identifiers: Orphanet 91387, MedGen C4707243, MONDO:0019625.
Marfan syndrome (MFS). Also called: Marfan syndrome, classic; Marfan syndrome type 1; Marfan's syndrome; FBN1-Related Marfan Syndrome; MARFAN SYNDROME, TYPE I. Identifiers: Orphanet 284963, Orphanet 558, MedGen C0024796, MONDO:0007947, OMIM 154700.

Allele frequency attached by ClinVar (database versions not stated): gnomAD exomes below 0.00001; ExAC 0.00001.
gnomAD v4.1: 12 of 1,613,974 alleles (0.00074%); highest among the groups gnomAD compares: Middle Eastern, 0.017%; no homozygotes.

Submissions (4):

GeneDx
Classification: Uncertain significance. Last evaluated: 2025-06-10. Review status: criteria provided, single submitter. Criteria: GeneDx Variant Classification Process June 2021. Collection method: clinical testing. Allele origin: germline.
Comment: Not observed at significant frequency in large population cohorts (gnomAD); In silico analysis supports that this missense variant has a deleterious effect on protein structure/function; Has not been previously published as pathogenic or benign to our knowledge; Does not affect a cysteine or calcium-binding residue within an EGF-like domain or a TGF-binding protein domain of the FBN1 gene; cysteine substitutions in the EGF-like domains represent the majority of pathogenic missense changes associated with FBN1-related disorders (PMID: 12938084); This variant is associated with the following publications: (PMID: 12938084)

All of Us Research Program, National Institutes of Health
Classification: Uncertain significance for Marfan syndrome. Last evaluated: 2024-01-03. Review status: criteria provided, single submitter. Criteria: ACMG Guidelines, 2015. Collection method: clinical testing. Allele origin: germline. Inheritance: Autosomal dominant inheritance. Observed: 1 variant allele, 1 heterozygote.
Comment: This missense variant replaces glycine with valine at codon 302 of the FBN1 protein. Computational prediction suggests that this variant may have deleterious impact on protein structure and function (internally defined REVEL score threshold >= 0.7, PMID: 27666373). To our knowledge, functional studies have not been reported for this variant. This variant has not been reported in individuals affected with FBN1-related disorders in the literature. This variant has been identified in 1/251420 chromosomes in the general population by the Genome Aggregation Database (gnomAD). The available evidence is insufficient to determine the role of this variant in disease conclusively. Therefore, this variant is classified as a Variant of Uncertain Significance.

This study involves interpretation of variants in research participants for the purpose of population health screening. Participant phenotype was not available at the time of variant classification. Additional details can be found in publication PMID: 35346344, PMCID: PMC8962531

Color Diagnostics, LLC DBA Color Health
Classification: Uncertain significance for Familial thoracic aortic aneurysm and aortic dissection. Last evaluated: 2023-12-19. Review status: criteria provided, single submitter. Criteria: ACMG Guidelines, 2015. Collection method: clinical testing. Allele origin: germline.
Comment: This missense variant replaces glycine with valine at codon 302 of the FBN1 protein. Computational prediction suggests that this variant may have deleterious impact on protein structure and function. To our knowledge, functional studies have not been reported for this variant. This variant has not been reported in individuals affected with FBN1-related disorders in the literature. This variant has been identified in 1/251420 chromosomes in the general population by the Genome Aggregation Database (gnomAD). The available evidence is insufficient to determine the role of this variant in disease conclusively. Therefore, this variant is classified as a Variant of Uncertain Significance.

Labcorp Genetics (formerly Invitae), Labcorp
Classification: Uncertain significance for Marfan syndrome; Familial thoracic aortic aneurysm and aortic dissection. Last evaluated: 2023-06-04. Review status: criteria provided, single submitter. Criteria: Invitae Variant Classification Sherloc (09022015). Collection method: clinical testing. Allele origin: germline.
Comment: This sequence change replaces glycine, which is neutral and non-polar, with valine, which is neutral and non-polar, at codon 302 of the FBN1 protein (p.Gly302Val). This variant is present in population databases (rs779866501, gnomAD no frequency). This missense change has been observed in individual(s) with clinical features of FBN1-related conditions (Invitae). ClinVar contains an entry for this variant (Variation ID: 943539). Advanced modeling of protein sequence and biophysical properties (such as structural, functional, and spatial information, amino acid conservation, physicochemical variation, residue mobility, and thermodynamic stability) performed at Invitae indicates that this missense variant is expected to disrupt FBN1 protein function. In summary, the available evidence is currently insufficient to determine the role of this variant in disease. Therefore, it has been classified as a Variant of Uncertain Significance.

NM_000138.5(FBN1):c.905G>T (p.Gly302Val)

Gene: FBN1 (fibrillin 1; minus strand). Cytogenetic location: 15q21.1.
Variant type: single nucleotide variant.
Coding change: c.905G>T on transcript NM_000138.5 (MANE Select); coding-DNA position 905, G replaced by T.
Protein change: p.Gly302Val; replaces glycine 302 with valine.
Molecular consequence: missense variant.
Genome position (GRCh38, 1-based): chr15:48,526,213, C>A on the plus strand (G>T on the coding strand, the complement: FBN1 is on the minus strand). VCF-style: chr15-48526213-C-A. GRCh37 (hg19) VCF-style: chr15-48818410-C-A.
Other names: short protein forms G302V.
Identifiers: ClinVar variation 943539 (VCV000943539.13), dbSNP rs779866501, ClinGen allele CA060350.